The following is an entry in ClinVar:

ClinVar aggregate classification (germline): Uncertain significance (1 of 4 stars; one submission).

Conditions:
Leigh syndrome (NULS). Also called: Leigh's necrotizing encephalopathy; Leigh's disease; Leigh Syndrome (mtDNA deletion); Leigh Disease; Subacute necrotizing encephalopathy; Necrotizing encephalopathy infantile subacute of Leigh. Identifiers: Orphanet 506, MedGen C2931891, MONDO:0009723, OMIM 256000.

Submission:

Wong Mito Lab, Molecular and Human Genetics, Baylor College of Medicine
Classification: Uncertain significance for Leigh syndrome. Last evaluated: 2019-10-17. Review status: criteria provided, single submitter. Criteria: Modified ACMG Guidelines (Unpublished). Collection method: clinical testing. Allele origin: germline.
Comment: The NC_012920.1:m.7153T>C (YP_003024028.1:p.Met417Thr) variant in MTCO1 gene is interpretated to be a Uncertain Significance variant based on the modified ACMG guidelines (unpublished). This variant meets the following evidence codes: BP4

NC_012920.1(MT-CO1):m.7153T>C

Gene: MT-CO1 (mitochondrially encoded cytochrome c oxidase I; plus strand).
Variant type: single nucleotide variant.
Genome position: chrM-7153-T-C.
Identifiers: ClinVar variation 692709 (VCV000692709.2), dbSNP rs1603220805, ClinGen allele CA414791583.
Genomic context (GRCh38, chrMT:7,153, plus strand): 5'-TTCCCCTATTCTCAGGCTACACCCTAGACCAAACCTACGCCAAAATCCATTTCACTATCA[T>C]ATTCATCGGCGTAAATCTAACTTTCTTCCCACAACACTTTCTCGGCCTATCCGGAATGCC-3'